The following is an entry in ClinVar:

NM_000545.8(HNF1A):c.343G>T (p.Val115Leu)

Gene: HNF1A (HNF1 homeobox A; plus strand). Cytogenetic location: 12q24.31.
Variant type: single nucleotide variant.
Coding change: c.343G>T on transcript NM_000545.8 (MANE Select); coding-DNA position 343, G replaced by T.
Protein change: p.Val115Leu; replaces valine 115 with leucine.
Molecular consequence: missense variant.
Genome position (GRCh38, 1-based): chr12:120,988,849, G>T. VCF-style: chr12-120988849-G-T. GRCh37 (hg19) VCF-style: chr12-121426652-G-T.
Other names: NM_000545.8(HNF1A):c.343G>T; p.Val115Leu; c.343G>T, p.Val115Leu (NM_001306179.2); short protein forms V115L.
Identifiers: ClinVar variation 972751 (VCV000972751.11), dbSNP rs1876667856, ClinGen allele CA386958889.
Genomic context (GRCh38, chr12:120,988,849, plus strand): 5'-GAGACAGCCCTTGCTGAGCAGATCCCGTCCTTGCCCTCTCCCAGGGAGGACCCGTGGCGT[G>T]TGGCGAAGATGGTCAAGTCCTACCTGCAGCAGCACAACATCCCACAGCGGGAGGTGGTCG-3'
Protein context (NP_000536.6, residues 105-125): ETLLQEDPWR[Val115Leu]AKMVKSYLQQ

ClinVar aggregate classification (germline): Likely pathogenic. Review status: reviewed by expert panel (3 of 4 stars). 4 submissions from 4 submitters: Likely pathogenic (1). 3 of the submissions do not count toward it. Last evaluated 2024-09-10.

Conditions:
Maturity-onset diabetes of the young (MODY). Also called: Maturity onset diabetes mellitus in young. Identifiers: Orphanet 552, MedGen C0342276, MONDO:0018911, HP:0004904.
Maturity-onset diabetes of the young type 3. Also called: MODY type 3; MODY, type III. Identifiers: Orphanet 552, MedGen C1838100, MeSH C563933, MONDO:0010894, OMIM 600496. Disease mechanism: loss of function.
Monogenic diabetes. Identifiers: Orphanet 183625, MedGen C3888631, MONDO:0015967.

Allele frequency attached by ClinVar (database versions not stated): gnomAD exomes below 0.00001.
gnomAD v4.1: 1 of 1,614,232 alleles (0.000062%); highest among the groups gnomAD compares: Non-Finnish European, 0.000085%; no homozygotes.

Submissions (4):

ClinGen Monogenic Diabetes Variant Curation Expert Panel
Classification: Likely pathogenic for Monogenic diabetes. Last evaluated: 2024-09-10. Review status: reviewed by expert panel. Criteria: ClinGen Diabetes ACMG Specifications HNF1A V2.1.0. Collection method: curation. Allele origin: germline. Inheritance: Autosomal dominant inheritance.
Comment: The c.343G>T variant in the HNF1 homeobox A gene, HNF1A, causes an amino acid change of valine to leucine at codon 115 (p.(Val115Leu)) of NM_000545.8. This variant is located within a conserved region of the DNA binding domain (codons 107-174 and 201-280) of HNF1A, which is defined as critical for the protein’s function by the ClinGen MDEP (PM1_Supporting). This variant was identified in five unrelated individuals with non-autoimmune and non-absolute/near-absolute insulin-deficient diabetes (PS4_Moderate; ClinVar, internal lab contributors). This variant is predicted to be deleterious by computational evidence, with a REVEL score of 0.902, which is greater than the MDEP VCEP threshold of 0.70 (PP3). This variant was identified in at least two individuals with a clinical history highly specific for HNF1A-MODY (MODY probability calculator result >50% and negative genetic testing for HNF4A) (PP4; internal lab contributors). This variant is absent in gnomAD v2.1.1 (PM2_Supporting). In summary, c.343G>T meets the criteria to be classified as likely pathogenic for monogenic diabetes. ACMG/AMP criteria applied, as specified by the ClinGen MDEP (specification version 2.1.0, approved 8/11/2023): PM1_Supporting, PS4_Moderate, PP3, PP4, PM2_Supporting.

Geisinger Clinic, Geisinger Health System
Classification: Likely pathogenic for Maturity-onset diabetes of the young type 3. Last evaluated: 2022-08-02. Review status: criteria provided, single submitter. Criteria: ACMG Guidelines, 2015. Collection method: research. Allele origin: germline. Inheritance: Autosomal dominant inheritance. Affected: yes. Observed: 2 variant alleles. Not counted in ClinVar's aggregate classification.
Comment: PM2, PP3, PP4, PS4_Moderate, PM5

Broad Center for Mendelian Genomics, Broad Institute of MIT and Harvard
Classification: Uncertain significance for Maturity-onset diabetes of the young type 3. Last evaluated: 2020-01-22. Review status: criteria provided, single submitter. Criteria: ACMG Guidelines, 2015. Collection method: curation. Allele origin: germline. Inheritance: Autosomal dominant inheritance. Not counted in ClinVar's aggregate classification.
Comment: The p.Val115Leu variant in HNF1A has been reported in at least 1 individual with maturity-onset diabetes of the young (PMID: 16917892), and was absent from large population studies. Computational prediction tools and conservation analyses suggest that this variant may impact the protein, though this information is not predictive enough to determine pathogenicity. In summary, while there is some suspicion for a pathogenic role, the clinical significance of this variant is uncertain. ACMG/AMP Criteria applied: PM2, PP3 (Richards 2015).

Clinical Genomics, Uppaluri K&H Personalized Medicine Clinic
Classification: Likely risk allele for Maturity-onset diabetes of the young. Review status: criteria provided, single submitter. Criteria: K & H Uppaluri Personalized Medicine Clinic Variant Classification & Assertion Criteria_Updated V.1. Collection method: research. Allele origin: unknown. Inheritance: Autosomal dominant inheritance. Not counted in ClinVar's aggregate classification.
Comment: Mutations in HNF1A gene can predispose to MODY3. It is associated with both micro and macrovascular complications of diabetes, especially cardiovascular complications. Associated with glucosuria. May respond well to sulfonylureas. However, more evidence is required to confer the association of this particular variant rs1876667856 with MODY3.

Literature cited by the submitters: PubMed 36257325 (cited by Geisinger Clinic, Geisinger Health System); PubMed 31517624 (cited by Clinical Genomics, Uppaluri K&H Personalized Medicine Clinic); PubMed 35328643 (cited by Clinical Genomics, Uppaluri K&H Personalized Medicine Clinic); PubMed 32395877 (cited by Clinical Genomics, Uppaluri K&H Personalized Medicine Clinic); PubMed 35673428 (cited by Clinical Genomics, Uppaluri K&H Personalized Medicine Clinic).